The following is an entry in ClinVar:

ClinVar aggregate classification (germline): Likely benign (1 of 4 stars; one submission).

Submission:

Mayo Clinic Laboratories, Mayo Clinic
Classification: Likely benign. Last evaluated: 2025-10-22. Review status: criteria provided, single submitter. Criteria: ACMG Guidelines, 2015. Collection method: clinical testing. Allele origin: germline. Observed: 3 variant alleles.
Comment: BP4, BP7, PM2_supporting

NM_000312.4(PROC):c.70+7C>G

Gene: PROC (protein C, inactivator of coagulation factors Va and VIIIa; plus strand). Cytogenetic location: 2q14.3.
Variant type: single nucleotide variant.
Coding change: c.70+7C>G on transcript NM_000312.4 (MANE Select); 7 bases into the intron after coding-DNA position 70, C replaced by G.
Molecular consequence: intron variant.
Genome position (GRCh38, 1-based): chr2:127,420,019, C>G. VCF-style: chr2-127420019-C-G. GRCh37 (hg19) VCF-style: chr2-128177595-C-G.
Other names: c.70+7C>G (NM_001375611.1, NM_001375605.1, NM_001375608.1 and 2 more transcripts); c.253+7C>G (NM_001375602.1); c.189+7C>G (NM_001375607.1); c.133+7C>G (NM_001375606.1, NM_001375603.1, NM_001375604.1); c.47-1264C>G (NM_001375609.1).
Identifiers: ClinVar variation 1163799 (VCV001163799.8), dbSNP rs768681450, ClinGen allele CA535638686.